The following is an entry in ClinVar:

ClinVar aggregate classification (germline): Benign/Likely benign. Review status: criteria provided, multiple submitters, no conflicts (2 of 4 stars). 9 submissions from 9 submitters: Benign (8); Likely benign (1). Last evaluated 2026-09-01.

Conditions:
Familial temporal lobe epilepsy 7. Identifiers: Orphanet 101046, MedGen C4225327, MONDO:0014639, OMIM 616436.
Norman-Roberts syndrome (LIS2). Also called: Lissencephaly 2 (Norman-Roberts type). Identifiers: Orphanet 89844, MedGen C0796089, MONDO:0009760, OMIM 257320.
Epilepsy, familial temporal lobe, 1. Identifiers: Orphanet 101046, MedGen CN030884, MONDO:0700090, OMIM 600512.

Allele frequency attached by ClinVar (database versions not stated): ExAC 0.00236; gnomAD exomes 0.00283 and 0.00057; ESP Exome Variant Server 0.00023; 1000 Genomes Project 0.00060; gnomAD 0.00071 and 0.00072; 1000 Genomes Project 30x 0.00078; TOPMed 0.00146.
gnomAD v4.1: 917 of 1,613,916 alleles (0.057%); highest among the groups gnomAD compares: Admixed American, 1.5%; 14 homozygotes.

Submissions (9):

CeGaT Center for Human Genetics Tuebingen
Classification: Benign. Last evaluated: 2026-09-01. Review status: criteria provided, single submitter. Criteria: CeGaT Center For Human Genetics Tuebingen Variant Classification Criteria Version 2. Collection method: clinical testing. Allele origin: germline. Affected: yes. Observed: 3 variant alleles.
Comment: RELN: BS1, BS2

Labcorp Genetics (formerly Invitae), Labcorp
Classification: Benign for Familial temporal lobe epilepsy 7; Norman-Roberts syndrome. Last evaluated: 2026-02-03. Review status: criteria provided, single submitter. Criteria: Invitae Variant Classification Sherloc (09022015). Collection method: clinical testing. Allele origin: germline.

Mayo Clinic Laboratories, Mayo Clinic
Classification: Benign. Last evaluated: 2025-03-26. Review status: criteria provided, single submitter. Criteria: ACMG Guidelines, 2015. Collection method: clinical testing. Allele origin: germline. Observed: 1 variant allele.
Comment: BS1, BS2, BP4

Athena Diagnostics
Classification: Benign. Last evaluated: 2024-01-04. Review status: criteria provided, single submitter. Criteria: Athena Diagnostics Criteria. Collection method: clinical testing. Allele origin: unknown.

Fulgent Genetics
Classification: Likely benign for Norman-Roberts syndrome; Epilepsy, familial temporal lobe, 1; Familial temporal lobe epilepsy 7. Last evaluated: 2021-10-20. Review status: criteria provided, single submitter. Criteria: ACMG Guidelines, 2015. Collection method: clinical testing. Allele origin: unknown.

Illumina Laboratory Services, Illumina
Classification: Benign for Norman-Roberts syndrome. Last evaluated: 2018-01-13. Review status: criteria provided, single submitter. Criteria: ICSL Variant Classification Criteria 13 December 2019. Collection method: clinical testing. Allele origin: germline.
Comment: This variant was observed in the ICSL laboratory as part of a predisposition screen in an ostensibly healthy population. It had not been previously curated by ICSL or reported in the Human Gene Mutation Database (HGMD: prior to June 1st, 2018), and was therefore a candidate for classification through an automated scoring system. Utilizing variant allele frequency, disease prevalence and penetrance estimates, and inheritance mode, an automated score was calculated to assess if this variant is too frequent to cause the disease. Based on the score and internal cut-off values, a variant classified as benign is not then subjected to further curation. The score for this variant resulted in a classification of benign for this disease.

GeneDx
Classification: Benign. Last evaluated: 2016-11-14. Review status: criteria provided, single submitter. Criteria: GeneDx Variant Classification (06012015). Collection method: clinical testing. Allele origin: germline. Affected: yes.
Comment: This variant is considered likely benign or benign based on one or more of the following criteria: it is a conservative change, it occurs at a poorly conserved position in the protein, it is predicted to be benign by multiple in silico algorithms, and/or has population frequency not consistent with disease.

Eurofins Ntd Llc (ga)
Classification: Benign. Last evaluated: 2014-10-31. Review status: criteria provided, single submitter. Criteria: EGL Classification Definitions 2015. Collection method: clinical testing. Allele origin: germline. Observed: 4 variant alleles, 4 heterozygotes.

Breakthrough Genomics
Classification: Benign. Review status: criteria provided, single submitter. Criteria: ACMG Guidelines, 2015. Collection method: not provided. Allele origin: germline. Inheritance: Autosomal recessive inheritance. Affected: yes.

NM_005045.4(RELN):c.8944G>A (p.Asp2982Asn)

Genes: SLC26A5-AS1 (SLC26A5 antisense RNA 1; plus strand), RELN (reelin; minus strand). Cytogenetic location: 7q22.1.
Variant type: single nucleotide variant.
Coding change: c.8944G>A on transcript NM_005045.4 (MANE Select); coding-DNA position 8944, G replaced by A.
Protein change: p.Asp2982Asn; replaces aspartic acid 2982 with asparagine.
Molecular consequence: missense variant.
Genome position (GRCh38, 1-based): chr7:103,497,826, C>T on the plus strand (G>A on the coding strand, the complement: RELN is on the minus strand). VCF-style: chr7-103497826-C-T. GRCh37 (hg19) VCF-style: chr7-103138273-C-T.
Other names: c.8944G>A, p.Asp2982Asn (NM_173054.3); short protein forms D2982N.
Identifiers: ClinVar variation 167577 (VCV000167577.24), dbSNP rs148509350, ClinGen allele CA180370.
Genomic context (GRCh38, chr7:103,497,826, plus strand): 5'-TGGATGGAATTTGGGAATCTGCTCCAAGGGGTGGTTTTCACCCCTGACACATGCCTCCAT[C>T]GGTAGAGTAGTCCAACAGCACGCCTTCCTTCCGGCAGATGGGACGATGGCAAGAGGTCAT-3'
Protein context (NP_005036.2, residues 2972-2992): KEGVLLDYST[Asp2982Asn]GGITWTLLHE